The following is an entry in ClinVar:

ClinVar aggregate classification (germline): Uncertain significance (1 of 4 stars; one submission).

Conditions:
Episodic ataxia type 1 (EA1). Also called: MYOKYMIA WITH PERIODIC ATAXIA; PAROXYSMAL ATAXIA WITH NEUROMYOTONIA, HEREDITARY; ATAXIA, EPISODIC, WITH MYOKYMIA; Episodic ataxia/myokymia syndrome. Identifiers: Orphanet 37612, Orphanet 972, MedGen C1719788, MONDO:0008047, OMIM 160120.

gnomAD v4.1: 2 of 1,612,948 alleles (0.00012%); highest among the groups gnomAD compares: Non-Finnish European, 0.00017%; no homozygotes.

Submission:

Labcorp Genetics (formerly Invitae), Labcorp
Classification: Uncertain significance for Episodic ataxia type 1. Last evaluated: 2025-08-24. Review status: criteria provided, single submitter. Criteria: Invitae Variant Classification Sherloc (09022015). Collection method: clinical testing. Allele origin: germline.
Comment: This sequence change replaces glutamic acid, which is acidic and polar, with glutamine, which is neutral and polar, at codon 275 of the KCNA1 protein (p.Glu275Gln). This variant is not present in population databases (gnomAD no frequency). This variant has not been reported in the literature in individuals affected with KCNA1-related conditions. Invitae Evidence Modeling of protein sequence and biophysical properties (such as structural, functional, and spatial information, amino acid conservation, physicochemical variation, residue mobility, and thermodynamic stability) indicates that this missense variant is not expected to disrupt KCNA1 protein function with a negative predictive value of 80%. In summary, the available evidence is currently insufficient to determine the role of this variant in disease. Therefore, it has been classified as a Variant of Uncertain Significance.

NM_000217.3(KCNA1):c.823G>C (p.Glu275Gln)

Gene: KCNA1 (potassium voltage-gated channel subfamily A member 1; plus strand). Cytogenetic location: 12p13.32.
Variant type: single nucleotide variant.
Coding change: c.823G>C on transcript NM_000217.3 (MANE Select); coding-DNA position 823, G replaced by C.
Protein change: p.Glu275Gln; replaces glutamic acid 275 with glutamine.
Molecular consequence: missense variant.
Genome position (GRCh38, 1-based): chr12:4,912,201, G>C. VCF-style: chr12-4912201-G-C. GRCh37 (hg19) VCF-style: chr12-5021367-G-C.
Other names: short protein forms E275Q.
Identifiers: ClinVar variation 4711540 (VCV004711540.1).